The following is an entry in ClinVar:

NM_004329.3(BMPR1A):c.711C>A (p.Val237=)

Gene: BMPR1A (bone morphogenetic protein receptor type 1A; plus strand). Cytogenetic location: 10q23.2.
Variant type: single nucleotide variant.
Coding change: c.711C>A on transcript NM_004329.3 (MANE Select); coding-DNA position 711, C replaced by A.
Protein change: p.Val237=; no amino-acid change (valine 237 retained).
Molecular consequence: synonymous variant.
Genome position (GRCh38, 1-based): chr10:86,917,169, C>A. VCF-style: chr10-86917169-C-A. GRCh37 (hg19) VCF-style: chr10-88676926-C-A.
Identifiers: ClinVar variation 491014 (VCV000491014.18), dbSNP rs1554890747, ClinGen allele CA470307958.
Genomic context (GRCh38, chr10:86,917,169, plus strand): 5'-AAACCTTTTACTTTTTTCTATAAAGGTTCAGCGAACTATTGCCAAACAGATTCAGATGGT[C>A]CGGCAAGTTGGTAAAGGCCGATATGGAGAAGTATGGATGGGCAAATGGCGTGGCGAAAAA-3'
Protein context (NP_004320.2, residues 227-247): QRTIAKQIQM[Val237=]RQVGKGRYGE

ClinVar aggregate classification (germline): Benign/Likely benign. Review status: criteria provided, multiple submitters, no conflicts (2 of 4 stars). 5 submissions from 5 submitters: Benign (1); Likely benign (4). Last evaluated 2024-08-05.

Conditions:
Juvenile polyposis syndrome (JPS). Identifiers: Orphanet 2929, MedGen C0345893, MONDO:0017380, OMIM 174900.
Hereditary cancer-predisposing syndrome. Also called: Tumor predisposition; Neoplastic Syndromes, Hereditary; Hereditary Cancer Syndrome; Hereditary neoplastic syndrome. Identifiers: Orphanet 140162, MedGen C0027672, MeSH D009386, MONDO:0015356.

gnomAD v4.1: 2 of 1,613,972 alleles (0.00012%); no homozygotes.

Submissions (5):

Myriad Genetics, Inc.
Classification: Benign for Juvenile polyposis syndrome. Last evaluated: 2024-08-05. Review status: criteria provided, single submitter. Criteria: Myriad Autosomal Dominant, Autosomal Recessive and X-Linked Classification Criteria (2023). Collection method: clinical testing. Allele origin: unknown.
Comment: This variant is considered benign. This variant is a silent/synonymous amino acid change and it is not expected to impact splicing.

All of Us Research Program, National Institutes of Health
Classification: Likely benign for Juvenile polyposis syndrome. Last evaluated: 2023-06-26. Review status: criteria provided, single submitter. Criteria: ACMG Guidelines, 2015. Collection method: clinical testing. Allele origin: germline. Inheritance: Autosomal dominant inheritance. Observed: 1 variant allele, 1 heterozygote.
Comment: This study involves interpretation of variants in research participants for the purpose of population health screening. Participant phenotype was not available at the time of variant classification. Additional details can be found in publication PMID: 35346344, PMCID: PMC8962531

Labcorp Genetics (formerly Invitae), Labcorp
Classification: Likely benign for Juvenile polyposis syndrome. Last evaluated: 2023-01-18. Review status: criteria provided, single submitter. Criteria: Invitae Variant Classification Sherloc (09022015). Collection method: clinical testing. Allele origin: germline.

Ambry Genetics
Classification: Likely benign for Hereditary cancer-predisposing syndrome. Last evaluated: 2018-03-18. Review status: criteria provided, single submitter. Criteria: Ambry Variant Classification Scheme 2023. Collection method: clinical testing. Allele origin: germline.

Color Diagnostics, LLC DBA Color Health
Classification: Likely benign for Hereditary cancer-predisposing syndrome. Last evaluated: 2017-08-02. Review status: criteria provided, single submitter. Criteria: ACMG Guidelines, 2015. Collection method: clinical testing. Allele origin: germline.